The following is an entry in ClinVar:

ClinVar aggregate classification (germline): Benign/Likely benign. Review status: criteria provided, multiple submitters, no conflicts (2 of 4 stars). 4 submissions from 4 submitters: Benign (2); Likely benign (2). Last evaluated 2026-04-01.

Allele frequency attached by ClinVar (database versions not stated): ESP Exome Variant Server 0.00008; TOPMed 0.00017; gnomAD 0.00025; 1000 Genomes Project 0.00100; 1000 Genomes Project 30x 0.00156.

Submissions (4):

CeGaT Center for Human Genetics Tuebingen
Classification: Likely benign. Last evaluated: 2026-04-01. Review status: criteria provided, single submitter. Criteria: CeGaT Center For Human Genetics Tuebingen Variant Classification Criteria Version 2. Collection method: clinical testing. Allele origin: germline. Affected: yes. Observed: 5 variant alleles.
Comment: MTOR: BP4, BP7, BS1

Labcorp Genetics (formerly Invitae), Labcorp
Classification: Benign. Last evaluated: 2026-02-02. Review status: criteria provided, single submitter. Criteria: Invitae Variant Classification Sherloc (09022015). Collection method: clinical testing. Allele origin: germline.

Blueprint Genetics
Classification: Likely benign. Last evaluated: 2024-11-08. Review status: criteria provided, single submitter. Criteria: ACMG Guidelines, 2015. Collection method: clinical testing. Allele origin: germline.

GeneDx
Classification: Benign. Last evaluated: 2020-04-01. Review status: criteria provided, single submitter. Criteria: GeneDx Variant Classification Process June 2021. Collection method: clinical testing. Allele origin: germline. Affected: yes.

NM_004958.4(MTOR):c.5952G>A (p.Thr1984=)

Gene: MTOR (mechanistic target of rapamycin kinase; minus strand). Cytogenetic location: 1p36.22.
Variant type: single nucleotide variant.
Coding change: c.5952G>A on transcript NM_004958.4 (MANE Select); coding-DNA position 5952, G replaced by A.
Protein change: p.Thr1984=; no amino-acid change (threonine 1984 retained).
Molecular consequence: synonymous variant.
Genome position (GRCh38, 1-based): chr1:11,128,085, C>T on the plus strand (G>A on the coding strand, the complement: MTOR is on the minus strand). VCF-style: chr1-11128085-C-T. GRCh37 (hg19) VCF-style: chr1-11188142-C-T.
Identifiers: ClinVar variation 696957 (VCV000696957.37), dbSNP rs192740864, ClinGen allele CA589197.
Genomic context (GRCh38, chr1:11,128,085, plus strand): 5'-GGTGTTGCTGTGCTCACACATGTTCTTCAGAATCTTGTTGGCTGCATTGTGCCGGGCTGT[C>T]GTGGTAGACTTAGAAGCCACTGTCAGTGGGTAGATGAGGGCCTGAGGGAAAAACAGAAGA-3'
Protein context (NP_004949.1, residues 1974-1994): YPLTVASKST[Thr1984=]TARHNAANKI